The following is an entry in ClinVar:

ClinVar aggregate classification (germline): Uncertain significance. Review status: criteria provided, multiple submitters, no conflicts (2 of 4 stars). 2 submissions from 2 submitters: Uncertain significance (2). Last evaluated 2023-06-27.

Conditions:
TP63-Related Spectrum Disorders.

Allele frequency attached by ClinVar (database versions not stated): TOPMed below 0.00001; ESP Exome Variant Server 0.00008.
gnomAD v4.1: 4 of 1,614,022 alleles (0.00025%); highest among the groups gnomAD compares: Non-Finnish European, 0.00034%; no homozygotes.

Submissions (2):

Labcorp Genetics (formerly Invitae), Labcorp
Classification: Uncertain significance. Last evaluated: 2023-06-27. Review status: criteria provided, single submitter. Criteria: Invitae Variant Classification Sherloc (09022015). Collection method: clinical testing. Allele origin: germline.
Comment: ClinVar contains an entry for this variant (Variation ID: 1436296). This variant has not been reported in the literature in individuals affected with TP63-related conditions. This variant is present in population databases (rs372543100, gnomAD 0.002%). This sequence change replaces isoleucine, which is neutral and non-polar, with valine, which is neutral and non-polar, at codon 96 of the TP63 protein (p.Ile96Val). Advanced modeling of protein sequence and biophysical properties (such as structural, functional, and spatial information, amino acid conservation, physicochemical variation, residue mobility, and thermodynamic stability) performed at Invitae indicates that this missense variant is not expected to disrupt TP63 protein function. In summary, the available evidence is currently insufficient to determine the role of this variant in disease. Therefore, it has been classified as a Variant of Uncertain Significance.

Blueprint Genetics
Classification: Uncertain significance. Last evaluated: 2020-01-30. Review status: criteria provided, single submitter. Criteria: ACMG Guidelines, 2015. Collection method: clinical testing. Allele origin: germline.

NM_003722.5(TP63):c.286A>G (p.Ile96Val)

Gene: TP63 (tumor protein p63; plus strand). Cytogenetic location: 3q28.
Variant type: single nucleotide variant.
Coding change: c.286A>G on transcript NM_003722.5 (MANE Select); coding-DNA position 286, A replaced by G.
Protein change: p.Ile96Val; replaces isoleucine 96 with valine.
Molecular consequence: missense variant.
Genome position (GRCh38, 1-based): chr3:189,738,736, A>G. VCF-style: chr3-189738736-A-G. GRCh37 (hg19) VCF-style: chr3-189456525-A-G.
Other names: c.286A>G, p.Ile96Val (NM_001114978.2, NM_001114979.2, NM_001329144.2 and 1 more transcripts); c.280A>G, p.Ile94Val (NM_001329964.2); short protein forms I96V, I94V.
Identifiers: ClinVar variation 1436296 (VCV001436296.8), dbSNP rs372543100, ClinGen allele CA2752068.